The following is an entry in ClinVar:

ClinVar aggregate classification (germline): Uncertain significance (1 of 4 stars; one submission).

Conditions:
Epileptic encephalopathy. Identifiers: MedGen C0543888, HP:0200134.

Allele frequency attached by ClinVar (database versions not stated): gnomAD 0.00001; TOPMed 0.00003.

Submission:

Labcorp Genetics (formerly Invitae), Labcorp
Classification: Uncertain significance for Epileptic encephalopathy. Last evaluated: 2025-09-02. Review status: criteria provided, single submitter. Criteria: Invitae Variant Classification Sherloc (09022015). Collection method: clinical testing. Allele origin: germline.
Comment: This sequence change replaces methionine, which is neutral and non-polar, with threonine, which is neutral and polar, at codon 1873 of the FASN protein (p.Met1873Thr). This variant is not present in population databases (gnomAD no frequency). This variant has not been reported in the literature in individuals affected with FASN-related conditions. ClinVar contains an entry for this variant (Variation ID: 1008475). An algorithm developed to predict the effect of missense changes on protein structure and function outputs the following: PolyPhen-2: "Benign". The threonine amino acid residue is found in multiple mammalian species, which suggests that this missense change does not adversely affect protein function. In summary, the available evidence is currently insufficient to determine the role of this variant in disease. Therefore, it has been classified as a Variant of Uncertain Significance.

NM_004104.5(FASN):c.5618T>C (p.Met1873Thr)

Gene: FASN (fatty acid synthase; minus strand). Cytogenetic location: 17q25.3.
Variant type: single nucleotide variant.
Coding change: c.5618T>C on transcript NM_004104.5 (MANE Select); coding-DNA position 5618, T replaced by C.
Protein change: p.Met1873Thr; replaces methionine 1873 with threonine.
Molecular consequence: missense variant.
Genome position (GRCh38, 1-based): chr17:82,083,063, A>G on the plus strand (T>C on the coding strand, the complement: FASN is on the minus strand). VCF-style: chr17-82083063-A-G. GRCh37 (hg19) VCF-style: chr17-80040939-A-G.
Other names: short protein forms M1873T.
Identifiers: ClinVar variation 1008475 (VCV001008475.9), dbSNP rs1019605122, ClinGen allele CA295126946.